The following is an entry in ClinVar:

NM_001163435.3(TBCK):c.26T>C (p.Met9Thr)

Gene: TBCK (TBC1 domain containing kinase; minus strand). Cytogenetic location: 4q24.
Variant type: single nucleotide variant.
Coding change: c.26T>C on transcript NM_001163435.3 (MANE Select); coding-DNA position 26, T replaced by C.
Protein change: p.Met9Thr; replaces methionine 9 with threonine.
Molecular consequence: missense variant. On other transcripts: 5 prime UTR variant (1).
Genome position (GRCh38, 1-based): chr4:106,308,935, A>G on the plus strand (T>C on the coding strand, the complement: TBCK is on the minus strand). VCF-style: chr4-106308935-A-G. GRCh37 (hg19) VCF-style: chr4-107230092-A-G.
Other names: c.26T>C, p.Met9Thr (NM_001163436.4, NM_001163437.3, NM_033115.5); c.-592T>C (NM_001290768.2); short protein forms M9T.
Identifiers: ClinVar variation 1348286 (VCV001348286.4), dbSNP rs758960293, ClinGen allele CA3035556.

ClinVar aggregate classification (germline): Uncertain significance (1 of 4 stars; one submission).

Allele frequency attached by ClinVar (database versions not stated): ExAC 0.00001; gnomAD 0.00001; gnomAD exomes 0.00001 and 0.00004; TOPMed 0.00002.
gnomAD v4.1: 11 of 1,613,924 alleles (0.00068%); highest among the groups gnomAD compares: Admixed American, 0.015%; no homozygotes.

Submission:

Labcorp Genetics (formerly Invitae), Labcorp
Classification: Uncertain significance. Last evaluated: 2023-10-03. Review status: criteria provided, single submitter. Criteria: Invitae Variant Classification Sherloc (09022015). Collection method: clinical testing. Allele origin: germline.
Comment: This sequence change replaces methionine, which is neutral and non-polar, with threonine, which is neutral and polar, at codon 9 of the TBCK protein (p.Met9Thr). This variant is present in population databases (rs758960293, gnomAD 0.03%). This variant has not been reported in the literature in individuals affected with TBCK-related conditions. ClinVar contains an entry for this variant (Variation ID: 1348286). Advanced modeling of protein sequence and biophysical properties (such as structural, functional, and spatial information, amino acid conservation, physicochemical variation, residue mobility, and thermodynamic stability) performed at Invitae indicates that this missense variant is not expected to disrupt TBCK protein function. In summary, the available evidence is currently insufficient to determine the role of this variant in disease. Therefore, it has been classified as a Variant of Uncertain Significance.